The following is an entry in ClinVar:

ClinVar aggregate classification (germline): Conflicting classifications of pathogenicity. Review status: criteria provided, conflicting classifications (1 of 4 stars). 2 submissions from 2 submitters: Uncertain significance (1); Benign (1). Last evaluated 2026-01-10.

Conditions:
Gastrointestinal stromal tumor. Also called: Gastrointestinal stromal tumor, somatic; Gastrointestinal stroma tumor. Identifiers: Orphanet 44890, MedGen C0238198, MeSH D046152, MONDO:0011719, OMIM 606764, HP:0100723.
Hereditary cancer-predisposing syndrome. Also called: Hereditary Cancer Syndrome; Tumor predisposition; Neoplastic Syndromes, Hereditary; Hereditary neoplastic syndrome. Identifiers: Orphanet 140162, MedGen C0027672, MeSH D009386, MONDO:0015356.

Allele frequency attached by ClinVar (database versions not stated): gnomAD below 0.00001 and 0.00001; TOPMed 0.00001; gnomAD exomes 0.00002 and 0.00005; ExAC 0.00006.
gnomAD v4.1: 40 of 1,614,072 alleles (0.0025%); highest among the groups gnomAD compares: South Asian, 0.038%; no homozygotes.

Submissions (2):

Labcorp Genetics (formerly Invitae), Labcorp
Classification: Uncertain significance for Gastrointestinal stromal tumor. Last evaluated: 2026-01-10. Review status: criteria provided, single submitter. Criteria: Invitae Variant Classification Sherloc (09022015). Collection method: clinical testing. Allele origin: germline.
Comment: This sequence change replaces methionine, which is neutral and non-polar, with threonine, which is neutral and polar, at codon 535 of the KIT protein (p.Met535Thr). The frequency data for this variant in the population databases is considered unreliable, as metrics indicate poor data quality at this position in the gnomAD database. This variant has not been reported in the literature in individuals affected with KIT-related conditions. ClinVar contains an entry for this variant (Variation ID: 579592). An algorithm developed to predict the effect of missense changes on protein structure and function (PolyPhen-2) suggests that this variant is likely to be tolerated. In summary, the available evidence is currently insufficient to determine the role of this variant in disease. Therefore, it has been classified as a Variant of Uncertain Significance.

Ambry Genetics
Classification: Benign for Hereditary cancer-predisposing syndrome. Last evaluated: 2024-10-28. Review status: criteria provided, single submitter. Criteria: Ambry Variant Classification Scheme 2023. Collection method: clinical testing. Allele origin: germline.

NM_000222.3(KIT):c.1604T>C (p.Met535Thr)

Gene: KIT (KIT proto-oncogene, receptor tyrosine kinase; plus strand). Cytogenetic location: 4q12.
Variant type: single nucleotide variant.
Coding change: c.1604T>C on transcript NM_000222.3 (MANE Select); coding-DNA position 1604, T replaced by C.
Protein change: p.Met535Thr; replaces methionine 535 with threonine.
Molecular consequence: missense variant.
Genome position (GRCh38, 1-based): chr4:54,727,281, T>C. VCF-style: chr4-54727281-T-C. GRCh37 (hg19) VCF-style: chr4-55593447-T-C.
Other names: c.1592T>C, p.Met531Thr (NM_001093772.2, NM_001385286.1); c.1607T>C, p.Met536Thr (NM_001385284.1, NM_001385290.1); c.1604T>C, p.Met535Thr (NM_001385285.1); c.1595T>C, p.Met532Thr (NM_001385288.1, NM_001385292.1); short protein forms M535T, M531T, M532T, M536T.
Identifiers: ClinVar variation 579592 (VCV000579592.15), dbSNP rs763411938, ClinGen allele CA2923530.